The following is an entry in ClinVar:

ClinVar aggregate classification (germline): Uncertain significance. Review status: criteria provided, multiple submitters, no conflicts (2 of 4 stars). 2 submissions from 2 submitters: Uncertain significance (2). Last evaluated 2025-06-22.

Conditions:
Inborn genetic diseases. Identifiers: MedGen C0950123, MeSH D030342.

gnomAD v4.1: 3 of 1,611,896 alleles (0.00019%); highest among the groups gnomAD compares: Non-Finnish European, 0.00025%; no homozygotes.

Submissions (2):

Ambry Genetics
Classification: Uncertain significance for Inborn genetic diseases. Last evaluated: 2025-06-22. Review status: criteria provided, single submitter. Criteria: Ambry Variant Classification Scheme 2023. Collection method: clinical testing. Allele origin: germline.

Labcorp Genetics (formerly Invitae), Labcorp
Classification: Uncertain significance. Last evaluated: 2025-02-24. Review status: criteria provided, single submitter. Criteria: Invitae Variant Classification Sherloc (09022015). Collection method: clinical testing. Allele origin: germline.
Comment: This sequence change replaces phenylalanine, which is neutral and non-polar, with cysteine, which is neutral and slightly polar, at codon 329 of the PHIP protein (p.Phe329Cys). This variant is not present in population databases (gnomAD no frequency). This variant has not been reported in the literature in individuals affected with PHIP-related conditions. Invitae Evidence Modeling of protein sequence and biophysical properties (such as structural, functional, and spatial information, amino acid conservation, physicochemical variation, residue mobility, and thermodynamic stability) has been performed for this missense variant. However, the output from this modeling did not meet the statistical confidence thresholds required to predict the impact of this variant on PHIP protein function. In summary, the available evidence is currently insufficient to determine the role of this variant in disease. Therefore, it has been classified as a Variant of Uncertain Significance.

NM_017934.7(PHIP):c.986T>G (p.Phe329Cys)

Gene: PHIP (PHIP subunit of CUL4-Ring ligase complex; minus strand). Cytogenetic location: 6q14.1.
Variant type: single nucleotide variant.
Coding change: c.986T>G on transcript NM_017934.7 (MANE Select); coding-DNA position 986, T replaced by G.
Protein change: p.Phe329Cys; replaces phenylalanine 329 with cysteine.
Molecular consequence: missense variant.
Genome position (GRCh38, 1-based): chr6:79,019,097, A>C on the plus strand (T>G on the coding strand, the complement: PHIP is on the minus strand). VCF-style: chr6-79019097-A-C. GRCh37 (hg19) VCF-style: chr6-79728814-A-C.
Other names: c.986T>G (NM_017934.5); short protein forms F329C.
Identifiers: ClinVar variation 3675473 (VCV003675473.3).
Genomic context (GRCh38, chr6:79,019,097, plus strand): 5'-AGGCTTCTAAATGAACAACTTTAAGTCGAAAATTAGAATGAGGGAAACTTACCAGCACTA[A>C]AAGAAGAACAGATCATTTGAACTCCAGGCCGAGGGCGCTCTGTAAATTTTGCAGGTCTTG-3'
Protein context (NP_060404.4, residues 319-339): RPGVQMICSS[Phe329Cys]SAGGMFLATG